The following is an entry in ClinVar:

ClinVar aggregate classification (germline): Likely benign. Review status: reviewed by expert panel (3 of 4 stars). 9 submissions from 8 submitters: Likely benign (1). 8 of the submissions do not count toward it. Last evaluated 2024-06-25.

Conditions:
Euthyroid goiter (MNG1). Also called: Goiter, multinodular 1, with or without Sertoli-Leydig cell tumors; GOITER, NONTOXIC, WITH INTRATHYROIDAL CALCIFICATION; MULTINODULAR GOITER, ADOLESCENT; SIMPLE GOITER. Identifiers: Orphanet 276399, MedGen C0302859, MONDO:0007681, OMIM 138800, HP:0009798.
Global developmental delay - lung cysts - overgrowth - Wilms tumor syndrome. Also called: GLOBAL DEVELOPMENTAL DELAY, LUNG CYSTS, OVERGROWTH, AND WILMS TUMOR; GLOW Syndrome. Identifiers: Orphanet 404476, MedGen C4748924, MONDO:0018445, OMIM 618272.
Rhabdomyosarcoma, embryonal, 2 (RMSE2). Identifiers: MedGen C1867234, MONDO:0859046, OMIM 180295.
Pleuropulmonary blastoma (PPB). Identifiers: Orphanet 64742, MedGen C1266144, MONDO:0011014, OMIM 601200, HP:0100528.
DICER1-related tumor predisposition. Also called: DICER1 syndrome; DICER1-related pleuropulmonary blastoma cancer predisposition syndrome. Identifiers: Orphanet 284343, MedGen C3839822, MONDO:0100216.
Hereditary cancer-predisposing syndrome. Also called: Hereditary neoplastic syndrome; Tumor predisposition; Hereditary Cancer Syndrome; Neoplastic Syndromes, Hereditary. Identifiers: Orphanet 140162, MedGen C0027672, MeSH D009386, MONDO:0015356.

Allele frequency attached by ClinVar (database versions not stated): gnomAD 0.00001; ExAC 0.00007; ESP Exome Variant Server 0.00008; gnomAD exomes 0.00008; TOPMed 0.00001.
gnomAD v4.1: 55 of 1,613,894 alleles (0.0034%); highest among the groups gnomAD compares: Admixed American, 0.027%; no homozygotes.

Submissions (9):

ClinGen DICER1 and miRNA-Processing Gene Variant Curation Expert Panel, ClinGen
Classification: Likely benign for DICER1-related tumor predisposition. Last evaluated: 2024-06-25. Review status: reviewed by expert panel. Criteria: ClinGen DICER1 ACMG Specifications DICER1 V1.3.0. Collection method: curation. Allele origin: germline. Inheritance: Autosomal dominant inheritance.
Comment: The NM_177438.2:c.128C>T variant in DICER1 is a missense variant predicted to cause substitution of threonine by methionine at amino acid 43 (p.Thr43Met). This variant has been seen in 10 or more unrelated females without tumors through age 50 in at least one testing laboratory (BS2_Supporting; Internal lab contributors). In silico tools predict no damaging impact of the variant on protein function (REVEL: 0.429; MaxEntScan and SpliceAI: no effect on splicing) (BP4). The highest population minor allele frequency in gnomAD v4.1.0 is 0.0002667 (16/59982 alleles) in Admixed American population (PM2_Supporting, BS1, and BA1 are not met). In summary, this variant meets the criteria to be classified as Likely Benign for DICER1-related tumor predisposition based on the ACMG/AMP criteria applied, as specified by the ClinGen DICER1 VCEP: BS2_Supporting, BP4. (Bayesian Points: -2; VCEP specifications version 1.3.0; 06/25/2024)

Labcorp Genetics (formerly Invitae), Labcorp
Classification: Likely benign for DICER1-related tumor predisposition. Last evaluated: 2026-02-01. Review status: criteria provided, single submitter. Criteria: Invitae Variant Classification Sherloc (09022015). Collection method: clinical testing. Allele origin: germline. Not counted in ClinVar's aggregate classification.

Ambry Genetics
Classification: Uncertain significance for Hereditary cancer-predisposing syndrome. Last evaluated: 2025-06-19. Review status: criteria provided, single submitter. Criteria: Ambry Variant Classification Scheme 2023. Collection method: clinical testing. Allele origin: germline. Not counted in ClinVar's aggregate classification.
Comment: The p.T43M variant (also known as c.128C>T), located in coding exon 1 of the DICER1 gene, results from a C to T substitution at nucleotide position 128. The threonine at codon 43 is replaced by methionine, an amino acid with similar properties. This amino acid position is highly conserved in available vertebrate species. In addition, the in silico prediction for this alteration is inconclusive. Since supporting evidence is limited at this time, the clinical significance of this alteration remains unclear.

Quest Diagnostics Nichols Institute San Juan Capistrano
Classification: Likely benign. Last evaluated: 2025-01-08. Review status: criteria provided, single submitter. Criteria: Quest Diagnostics criteria. Collection method: clinical testing. Allele origin: unknown. Not counted in ClinVar's aggregate classification.

Fulgent Genetics
Classification: Uncertain significance for Euthyroid goiter; Rhabdomyosarcoma, embryonal, 2; Pleuropulmonary blastoma; Global developmental delay - lung cysts - overgrowth - Wilms tumor syndrome. Last evaluated: 2024-05-15. Review status: criteria provided, single submitter. Criteria: ACMG Guidelines, 2015. Collection method: clinical testing. Allele origin: germline. Not counted in ClinVar's aggregate classification.

Baylor Genetics
Classification: Uncertain significance for Global developmental delay - lung cysts - overgrowth - Wilms tumor syndrome. Last evaluated: 2024-03-29. Review status: criteria provided, single submitter. Criteria: ACMG Guidelines, 2015. Collection method: clinical testing. Allele origin: unknown. Not counted in ClinVar's aggregate classification.

GeneDx
Classification: Uncertain significance. Last evaluated: 2023-11-29. Review status: criteria provided, single submitter. Criteria: GeneDx Variant Classification Process June 2021. Collection method: clinical testing. Allele origin: germline. Not counted in ClinVar's aggregate classification.
Comment: In silico analysis supports that this missense variant has a deleterious effect on protein structure/function; Has not been previously published as pathogenic or benign to our knowledge

Sema4
Classification: Uncertain significance for Hereditary cancer-predisposing syndrome. Last evaluated: 2021-09-16. Review status: criteria provided, single submitter. Criteria: Sema4 Curation Guidelines. Collection method: curation. Allele origin: germline. Not counted in ClinVar's aggregate classification.
Comment: The DICER1 c.128C>T (p.T43M) variant has not been reported in the literature to our knowledge. This variant was observed in 13/35396 chromosomes in the Latino population, including no homozygotes, according to the Genome Aggregation Database (PMID: 32461654). The variant has been reported in ClinVar (Variation ID 412157). Functional studies have not been performed, and in silico predictions of the variant's effect on protein function are inconclusive. The evidence is insufficient to meet ACMG/AMP criteria for classifying the variant as benign or pathogenic. Thus, the clinical significance of this variant is currently uncertain.

Baylor Genetics
Classification: Uncertain significance for Euthyroid goiter. Last evaluated: 2020-07-03. Review status: criteria provided, single submitter. Criteria: ACMG Guidelines, 2015. Collection method: clinical testing. Allele origin: paternal. Affected: yes. Study: CSER-TexasKidsCanSeq. Not counted in ClinVar's aggregate classification.
Comment: This variant was determined to be of uncertain significance according to ACMG Guidelines, 2015 [PMID:25741868].

NM_177438.3(DICER1):c.128C>T (p.Thr43Met)

Gene: DICER1 (dicer 1, ribonuclease III; minus strand). Cytogenetic location: 14q32.13.
Variant type: single nucleotide variant.
Coding change: c.128C>T on transcript NM_177438.3 (MANE Select); coding-DNA position 128, C replaced by T.
Protein change: p.Thr43Met; replaces threonine 43 with methionine.
Molecular consequence: missense variant.
Genome position (GRCh38, 1-based): chr14:95,133,331, G>A on the plus strand (C>T on the coding strand, the complement: DICER1 is on the minus strand). VCF-style: chr14-95133331-G-A. GRCh37 (hg19) VCF-style: chr14-95599668-G-A.
Other names: NM_177438.3(DICER1):c.128C>T; p.Thr43Met; c.128C>T, p.Thr43Met (NM_001195573.1, NM_001271282.3, NM_001291628.2 and 1 more transcripts); short protein forms T43M.
Identifiers: ClinVar variation 412157 (VCV000412157.27), dbSNP rs367797765, ClinGen allele CA7331742.